The following is an entry in ClinVar:

ClinVar aggregate classification (germline): Uncertain significance. Review status: criteria provided, multiple submitters, no conflicts (2 of 4 stars). 5 submissions from 5 submitters: Uncertain significance (4). 1 of the submissions does not count toward it. Last evaluated 2024-01-21.

Conditions:
Prostate cancer. Also called: Malignant tumor of prostate. Identifiers: Orphanet 1331, MedGen C0376358, MONDO:0008315, HP:0012125.
Ataxia-telangiectasia syndrome (AT). Also called: LOUIS-BAR SYNDROME; Ataxia-telangiectasia, complementation group D; AT, COMPLEMENTATION GROUP C; Ataxia telangiectasia (A-T); Cerebello-oculocutaneous telangiectasia; Immunodeficiency with ataxia telangiectasia. Identifiers: Orphanet 100, MedGen C0004135, MONDO:0008840, OMIM 208900.
Hereditary cancer-predisposing syndrome. Also called: Neoplastic Syndromes, Hereditary; Hereditary neoplastic syndrome; Tumor predisposition; Hereditary Cancer Syndrome. Identifiers: Orphanet 140162, MedGen C0027672, MeSH D009386, MONDO:0015356.

Submissions (5):

Ambry Genetics
Classification: Uncertain significance for Hereditary cancer-predisposing syndrome. Last evaluated: 2024-01-21. Review status: criteria provided, single submitter. Criteria: Ambry Variant Classification Scheme 2023. Collection method: clinical testing. Allele origin: germline.
Comment: The p.F1780C variant (also known as c.5339T>G), located in coding exon 35 of the ATM gene, results from a T to G substitution at nucleotide position 5339. The phenylalanine at codon 1780 is replaced by cysteine, an amino acid with highly dissimilar properties. This amino acid position is conserved. In addition, this alteration is predicted to be tolerated by in silico analysis. Based on the available evidence, the clinical significance of this alteration remains unclear.

Labcorp Genetics (formerly Invitae), Labcorp
Classification: Uncertain significance for Ataxia-telangiectasia syndrome. Last evaluated: 2023-12-01. Review status: criteria provided, single submitter. Criteria: Invitae Variant Classification Sherloc (09022015). Collection method: clinical testing. Allele origin: germline.
Comment: This sequence change replaces phenylalanine, which is neutral and non-polar, with cysteine, which is neutral and slightly polar, at codon 1780 of the ATM protein (p.Phe1780Cys). This variant is not present in population databases (gnomAD no frequency). This variant has not been reported in the literature in individuals affected with ATM-related conditions. ClinVar contains an entry for this variant (Variation ID: 961683). An algorithm developed to predict the effect of missense changes on protein structure and function (PolyPhen-2) suggests that this variant is likely to be tolerated. In summary, the available evidence is currently insufficient to determine the role of this variant in disease. Therefore, it has been classified as a Variant of Uncertain Significance.

Color Diagnostics, LLC DBA Color Health
Classification: Uncertain significance for Hereditary cancer-predisposing syndrome. Last evaluated: 2023-08-30. Review status: criteria provided, single submitter. Criteria: ACMG Guidelines, 2015. Collection method: clinical testing. Allele origin: germline.
Comment: This missense variant replaces phenylalanine with cysteine at codon 1780 of the ATM protein. Computational prediction suggests that this variant may not impact protein structure and function (internally defined REVEL score threshold <= 0.5, PMID: 27666373). To our knowledge, functional studies have not been reported for this variant. This variant has not been reported in individuals affected with ATM-related disorders in the literature. This variant has not been identified in the general population by the Genome Aggregation Database (gnomAD). The available evidence is insufficient to determine the role of this variant in disease conclusively. Therefore, this variant is classified as a Variant of Uncertain Significance.

KCCC/NGS Laboratory, Kuwait Cancer Control Center
Classification: Uncertain significance for cancer prostate. Last evaluated: 2023-05-30. Review status: criteria provided, single submitter. Criteria: ACMG Guidelines, 2015. Collection method: clinical testing. Allele origin: unknown. Inheritance: Autosomal dominant inheritance. Affected: yes.
Comment: a variant of uncertain significance was detected in the ATM (p.Phe1780Cys) .This sequence change replaces phenylalanine with cysteine at codon 1780 of the ATM protein (p.Phe1780Cys). The phenylalanine residue is weakly conserved (PhyloP= 0.54) and there is a large physicochemical difference between phenylalanine and cysteine. This variant is not present in population databases (gnomAD no frequency) nor in our local database. This variant has not been reported in the literature in individuals affected with ATM-related conditions. Algorithms developed to predict the effect of missense changes on protein structure and function (SIFT, PolyPhen-2, Align-GVGD) all suggest that this variant is likely to be tolerated. In summary, the available evidence is currently insufficient to determine the role of this variant in disease. Therefore, it has been classified as a Variant of Uncertain Significance. Pathogenic mutations in the ATM gene are associated with Ataxia Telangiectasia; and increased risk of breast cancer, certain types of leukemias and lymphomas.

Natera, Inc.
Classification: Uncertain significance for Ataxia-telangiectasia. Last evaluated: 2021-09-20. Review status: no assertion criteria provided. Collection method: clinical testing. Allele origin: germline. Not counted in ClinVar's aggregate classification.

NM_000051.4(ATM):c.5339T>G (p.Phe1780Cys)

Gene: ATM (ATM serine/threonine kinase; plus strand). Cytogenetic location: 11q22.3.
Variant type: single nucleotide variant.
Coding change: c.5339T>G on transcript NM_000051.4 (MANE Select); coding-DNA position 5339, T replaced by G.
Protein change: p.Phe1780Cys; replaces phenylalanine 1780 with cysteine.
Molecular consequence: missense variant.
Genome position (GRCh38, 1-based): chr11:108,302,872, T>G. VCF-style: chr11-108302872-T-G. GRCh37 (hg19) VCF-style: chr11-108173599-T-G.
Other names: c.5339T>G, p.Phe1780Cys (NM_001351834.2); short protein forms F1780C.
Identifiers: ClinVar variation 961683 (VCV000961683.18), dbSNP rs2083497990, ClinGen allele CA382543139.
Genomic context (GRCh38, chr11:108,302,872, plus strand): 5'-CCACTTCTCTTATTTACATTTTCTAATCCCTTTCTTTCTAGTTTTTAGAAGTACCCAGAT[T>G]TGACAAAGAAAACCCTTTTGAAGGCCTGGATGATATAAATCTGTGGATTCCTCTAAGTGA-3'
Protein context (NP_000042.3, residues 1770-1790): SRKKFLEVPR[Phe1780Cys]DKENPFEGLD